The following is an entry in ClinVar:

NM_013266.4(CTNNA3):c.1246G>A (p.Ala416Thr)

Gene: CTNNA3 (catenin alpha 3; minus strand). Cytogenetic location: 10q21.3.
Variant type: single nucleotide variant.
Coding change: c.1246G>A on transcript NM_013266.4 (MANE Select); coding-DNA position 1246, G replaced by A.
Protein change: p.Ala416Thr; replaces alanine 416 with threonine.
Molecular consequence: missense variant.
Genome position (GRCh38, 1-based): chr10:66,766,299, C>T on the plus strand (G>A on the coding strand, the complement: CTNNA3 is on the minus strand). VCF-style: chr10-66766299-C-T. GRCh37 (hg19) VCF-style: chr10-68526057-C-T.
Other names: c.1246G>A, p.Ala416Thr (NM_001127384.3); short protein forms A416T.
Identifiers: ClinVar variation 1759647 (VCV001759647.2), dbSNP rs1269961245, ClinGen allele CA377091845.

ClinVar aggregate classification (germline): Uncertain significance (1 of 4 stars; one submission).

Allele frequency attached by ClinVar (database versions not stated): gnomAD exomes below 0.00001; TOPMed 0.00001.
gnomAD v4.1: 1 of 1,613,872 alleles (0.000062%); highest among the groups gnomAD compares: Admixed American, 0.0017%; no homozygotes.

Submission:

Ambry Genetics
Classification: Uncertain significance. Last evaluated: 2022-08-08. Review status: criteria provided, single submitter. Criteria: Ambry Variant Classification Scheme 2023. Collection method: clinical testing. Allele origin: germline.
Comment: The p.A416T variant (also known as c.1246G>A), located in coding exon 8 of the CTNNA3 gene, results from a G to A substitution at nucleotide position 1246. The alanine at codon 416 is replaced by threonine, an amino acid with similar properties. This amino acid position is conserved. In addition, this alteration is predicted to be tolerated by in silico analysis. Since supporting evidence is limited at this time, the clinical significance of this alteration remains unclear.